The following is an entry in ClinVar:

NM_001110556.2(FLNA):c.4620G>A (p.Leu1540=)

Gene: FLNA (filamin A; minus strand). Cytogenetic location: Xq28.
Variant type: single nucleotide variant.
Coding change: c.4620G>A on transcript NM_001110556.2 (MANE Select); coding-DNA position 4620, G replaced by A.
Protein change: p.Leu1540=; no amino-acid change (leucine 1540 retained).
Molecular consequence: synonymous variant.
Genome position (GRCh38, 1-based): chrX:154,358,334, C>T on the plus strand (G>A on the coding strand, the complement: FLNA is on the minus strand). VCF-style: chrX-154358334-C-T. GRCh37 (hg19) VCF-style: chrX-153586702-C-T.
Other names: c.4620G>A, p.Leu1540= (NM_001456.4).
Identifiers: ClinVar variation 3043809 (VCV003043809.2), dbSNP rs2522735240, ClinGen allele CA519707715.

ClinVar aggregate classification (germline): Likely benign (0 of 4 stars; one submission).

Conditions:
FLNA-related disorder.

Submission:

PreventionGenetics, part of Exact Sciences
Classification: Likely benign for FLNA-related condition. Last evaluated: 2022-12-16. Review status: no assertion criteria provided. Collection method: clinical testing. Allele origin: germline.
Comment: This variant is classified as likely benign based on ACMG/AMP sequence variant interpretation guidelines (Richards et al. 2015 PMID: 25741868, with internal and published modifications).